The following is an entry in ClinVar:

NM_194248.3(OTOF):c.2348del (p.Gly783fs)

Gene: OTOF (otoferlin; minus strand). Cytogenetic location: 2p23.3.
Variant type: Deletion.
Coding change: c.2348del on transcript NM_194248.3 (MANE Select); coding-DNA position 2348, one base deleted (G; older notation c.2348delG).
Protein change: p.Gly783fs; shifts the reading frame from glycine 783.
Molecular consequence: frameshift variant.
Genome position (GRCh38, 1-based): chr2:26,477,474, C deleted on the plus strand (G on the coding strand, the reverse complement: OTOF is on the minus strand); the first of 3 consecutive C bases (chr2:26,477,474-26,477,476); deleting any one gives the same sequence. VCF-style (leftmost placement, unchanged base first): chr2-26477473-GC-G. GRCh37 (hg19) VCF-style: chr2-26700341-GC-G.
Other names: c.2348delG (NM_194248.3); c.2348del, p.Gly783fs (NM_001287489.2); c.107del, p.Gly36fs (NM_004802.4, NM_194323.3); c.278del, p.Gly93fs (NM_194322.3); short protein forms G783fs, G93fs, G36fs.
Identifiers: ClinVar variation 21834 (VCV000021834.25), dbSNP rs80356591, ClinGen allele CA342565.

ClinVar aggregate classification (germline): Pathogenic. Review status: criteria provided, multiple submitters, no conflicts (2 of 4 stars). 9 submissions from 9 submitters: Pathogenic (8). 1 of the submissions does not count toward it. Last evaluated 2026-05-15.

Conditions:
OTOF-related disorder. Also called: OTOF-related condition.
Rare genetic deafness. Identifiers: Orphanet 96210, MedGen C5680250.
Nonsyndromic genetic hearing loss. Also called: Nonsyndromic genetic deafness; Non-syndromic genetic deafness; Nonsyndromic hearing loss and deafness. Identifiers: Orphanet 87884, MedGen C5680182, MONDO:0019497.
Autosomal recessive nonsyndromic hearing loss 9. Also called: Deafness, autosomal recessive 9; AUDITORY NEUROPATHY, AUTOSOMAL RECESSIVE, 1, TEMPERATURE-SENSITIVE; OTOF-Related Hearing Loss; NEUROSENSORY NONSYNDROMIC RECESSIVE DEAFNESS 9. Identifiers: Orphanet 90636, MedGen C1832828, MONDO:0010986, OMIM 601071.
Bilateral sensorineural hearing impairment. Also called: Bilateral sensorineural hearing loss. Identifiers: MedGen C0452138, HP:0008619.

Submissions (9):

GeneDx
Classification: Pathogenic. Last evaluated: 2026-05-15. Review status: criteria provided, single submitter. Criteria: GeneDx Variant Classification Process June 2021. Collection method: clinical testing. Allele origin: germline.
Comment: Frameshift variant predicted to result in protein truncation or nonsense mediated decay in a gene for which loss-of-function is a known mechanism of disease; This variant is associated with the following publications: (PMID: 16371502, 31589614, 34424407, 31980526, 34652575, 36147510, 19461658, 37996878)

PreventionGenetics, part of Exact Sciences
Classification: Pathogenic for OTOF-related condition. Last evaluated: 2026-02-07. Review status: criteria provided, single submitter. Criteria: ACMG Guidelines, 2015. Collection method: clinical testing. Allele origin: germline.
Comment: The OTOF c.2348delG variant is predicted to result in a frameshift and premature protein termination (p.Gly783Alafs*17). This variant has been reported to be causative for non-syndromic autosomal recessive auditory neuropathy (Varga. 2006. PubMed ID: 16371502; Romanos. 2009. PubMed ID: 19461658; Table S1A, Thorpe. 2021. PubMed ID: 34424407). This variant is reported in 0.017% of alleles in individuals of African descent in gnomAD. Frameshift variants in OTOF are expected to be pathogenic. This variant is interpreted as pathogenic.

Blueprint Genetics
Classification: Pathogenic for OTOF-related disorders. Last evaluated: 2024-10-04. Review status: criteria provided, single submitter. Criteria: ACMG Guidelines, 2015. Collection method: clinical testing. Allele origin: germline. Affected: yes. Observed: 5 variant alleles.

Labcorp Genetics (formerly Invitae), Labcorp
Classification: Pathogenic. Last evaluated: 2024-03-12. Review status: criteria provided, single submitter. Criteria: Invitae Variant Classification Sherloc (09022015). Collection method: clinical testing. Allele origin: germline.
Comment: This sequence change creates a premature translational stop signal (p.Gly783Alafs*17) in the OTOF gene. It is expected to result in an absent or disrupted protein product. Loss-of-function variants in OTOF are known to be pathogenic (PMID: 18381613, 19250381, 22575033). This variant is present in population databases (rs80356591, gnomAD 0.02%). This premature translational stop signal has been observed in individual(s) with clinical features of OTOF-related conditions (PMID: 16371502, 31980526). ClinVar contains an entry for this variant (Variation ID: 21834). Algorithms developed to predict the effect of sequence changes on RNA splicing suggest that this variant may disrupt the consensus splice site. For these reasons, this variant has been classified as Pathogenic.

Women's Health and Genetics/Laboratory Corporation of America, LabCorp
Classification: Pathogenic for Nonsyndromic genetic hearing loss. Last evaluated: 2023-01-11. Review status: criteria provided, single submitter. Criteria: LabCorp Variant Classification Summary - May 2015. Collection method: clinical testing. Allele origin: germline.
Comment: Variant summary: OTOF c.2348delG (p.Gly783AlafsX17) results in a premature termination codon, predicted to cause a truncation of the encoded protein or absence of the protein due to nonsense mediated decay, which are commonly known mechanisms for disease. Truncations downstream of this position have been classified as pathogenic within ClinVar (e.g. c.2485C>T [p.Gln829Ter], c.2977_2978del [p.Gln994fs]). The variant allele was found at a frequency of 4.6e-05 in 262222 control chromosomes (gnomAD). This frequency is not significantly higher than expected for a pathogenic variant in OTOF causing Nonsyndromic Hearing Loss And Deafness, Type 9 (4.6e-05 vs 0.0011), allowing no conclusion about variant significance. c.2348delG has been reported in the literature as a biallelic genotype in individuals affected with Nonsyndromic Hearing Loss And Deafness (e.g. Varga_2006, Romanos_2009, Rodriguez-Ballesteros_2008, Baux_2017). These data indicate that the variant is likely to be associated with disease. To our knowledge, no experimental evidence demonstrating an impact on protein function has been reported. Three ClinVar submitters have assessed the variant since 2014: all three classified the variant as pathogenic. Based on the evidence outlined above, the variant was classified as pathogenic.

Molecular Genetics, Royal Melbourne Hospital
Classification: Pathogenic for Autosomal recessive nonsyndromic hearing loss 9. Last evaluated: 2022-04-22. Review status: criteria provided, single submitter. Criteria: ACMG Guidelines, 2015. Collection method: clinical testing. Allele origin: germline.
Comment: This sequence change is a deletion of 1 bp in exon 20 (of 46) of OTOF that is predicted to create a premature termination codon at position 799, p.(Gly783Alafs*17), which is expected to result in an absent or disrupted protein product. Loss of function is an established mechanism for disease for this gene. The variant is present in a large population cohort at a frequency of 0.005% (rs80356591, 12/262,222 alleles, 0 homozygotes in gnomAD v2.1), with a frequency of 0.02% in the African subpopulation (4/22,908 alleles, 0 homozygotes). The variant has been identified compound heterozygous with a second pathogenic allele in at least two individuals with non-syndromic auditory neuropathy (PMID: 16371502, 19461658). Based on the classification scheme RMH ACMG Guidelines v1.2.1, this variant is classified as PATHOGENIC. Following criteria are met: PVS1, PM3_Strong.

Laboratory for Molecular Medicine, Mass General Brigham Personalized Medicine
Classification: Pathogenic for Rare genetic deafness. Last evaluated: 2015-02-26. Review status: criteria provided, single submitter. Criteria: LMM Criteria. Collection method: clinical testing. Allele origin: germline. Inheritance: Autosomal recessive inheritance. Observed: 2 variant alleles.
Comment: All of these individuals were compound heterozygous . Data from large population studies are insufficient to assess the frequency of this variant. The p.Gly783fs variant is predicted to cause a frameshift, which alters the protein?s amino acid sequence beginning at position 783 and leads to a premature termination codon 17 amino acids downstream. This alteration is then predicted to lead to a truncated or absent protein. In summary, this variant me ets our criteria to be classified as pathogenic for hearing loss in an autosomal recessive manner based upon its pre dicted impact on the protein.

Laboratory of Human Genetics, Institute of Biosciences - University of Sao Paulo
Classification: Pathogenic for Bilateral sensorineural hearing impairment. Review status: criteria provided, single submitter. Criteria: ClinGen HL ACMG Specifications v1. Collection method: research. Allele origin: germline. Affected: yes. Observed: 1 compound heterozygote. Segregation with disease observed.

GeneReviews
No classification provided. Condition: Autosomal recessive nonsyndromic hearing loss 9. Review status: no classification provided. Collection method: literature only. Allele origin: unknown. Not counted in ClinVar's aggregate classification.

Literature cited by the submitters: PubMed 18381613 (cited by Labcorp Genetics (formerly Invitae), Labcorp and Women's Health and Genetics/Laboratory Corporation of America, LabCorp); PubMed 19250381 (cited by Labcorp Genetics (formerly Invitae), Labcorp); PubMed 22575033 (cited by Labcorp Genetics (formerly Invitae), Labcorp); PubMed 16371502 (cited by 4 submitters); PubMed 31980526 (cited by Labcorp Genetics (formerly Invitae), Labcorp); PubMed 29196752 (cited by Women's Health and Genetics/Laboratory Corporation of America, LabCorp); PubMed 19461658 (cited by 3 submitters); PubMed 34652575 (cited by Laboratory of Human Genetics, Institute of Biosciences - University of Sao Paulo); PubMed 12525542 (cited by GeneReviews); PubMed 20301429 (cited by GeneReviews); NCBI Bookshelf NBK1251 (cited by GeneReviews).